The following is an entry in ClinVar:

ClinVar aggregate classification (germline): Uncertain significance (1 of 4 stars; one submission).

Submission:

Labcorp Genetics (formerly Invitae), Labcorp
Classification: Uncertain significance. Last evaluated: 2022-04-01. Review status: criteria provided, single submitter. Criteria: Invitae Variant Classification Sherloc (09022015). Collection method: clinical testing. Allele origin: germline.
Comment: In summary, the available evidence is currently insufficient to determine the role of this variant in disease. Therefore, it has been classified as a Variant of Uncertain Significance. This sequence change replaces alanine, which is neutral and non-polar, with valine, which is neutral and non-polar, at codon 81 of the HMX1 protein (p.Ala81Val). This variant is not present in population databases (gnomAD no frequency). This variant has not been reported in the literature in individuals affected with HMX1-related conditions. Algorithms developed to predict the effect of missense changes on protein structure and function are either unavailable or do not agree on the potential impact of this missense change (SIFT: "Tolerated"; PolyPhen-2: "Not Available"; Align-GVGD: "Class C0"). Algorithms developed to predict the effect of sequence changes on RNA splicing suggest that this variant may create or strengthen a splice site.

NM_018942.3(HMX1):c.242C>T (p.Ala81Val)

Gene: HMX1 (H6 family homeobox 1; minus strand). Cytogenetic location: 4p16.1.
Variant type: single nucleotide variant.
Coding change: c.242C>T on transcript NM_018942.3 (MANE Select); coding-DNA position 242, C replaced by T.
Protein change: p.Ala81Val; replaces alanine 81 with valine.
Molecular consequence: missense variant.
Genome position (GRCh38, 1-based): chr4:8,871,373, G>A on the plus strand (C>T on the coding strand, the complement: HMX1 is on the minus strand). VCF-style: chr4-8871373-G-A. GRCh37 (hg19) VCF-style: chr4-8873099-G-A.
Other names: c.242C>T, p.Ala81Val (NM_001306142.2); short protein forms A81V.
Identifiers: ClinVar variation 2120302 (VCV002120302.4), dbSNP rs1448781679, ClinGen allele CA356279039.